The following is an entry in ClinVar:

ClinVar aggregate classification (germline): Uncertain significance (1 of 4 stars; one submission).

Allele frequency attached by ClinVar (database versions not stated): gnomAD exomes below 0.00001.
gnomAD v4.1: 4 of 1,614,066 alleles (0.00025%); highest among the groups gnomAD compares: South Asian, 0.0022%; no homozygotes.

Submission:

Ambry Genetics
Classification: Uncertain significance. Last evaluated: 2022-10-28. Review status: criteria provided, single submitter. Criteria: Ambry Variant Classification Scheme 2023. Collection method: clinical testing. Allele origin: germline.
Comment: The p.H82R variant (also known as c.245A>G), located in coding exon 2 of the BUB3 gene, results from an A to G substitution at nucleotide position 245. The histidine at codon 82 is replaced by arginine, an amino acid with highly similar properties. This amino acid position is conserved. In addition, the in silico prediction for this alteration is inconclusive. Since supporting evidence is limited at this time, the clinical significance of this alteration remains unclear.

NM_004725.4(BUB3):c.245A>G (p.His82Arg)

Gene: BUB3 (BUB3 mitotic checkpoint protein; plus strand). Cytogenetic location: 10q26.13.
Variant type: single nucleotide variant.
Coding change: c.245A>G on transcript NM_004725.4 (MANE Select); coding-DNA position 245, A replaced by G.
Protein change: p.His82Arg; replaces histidine 82 with arginine.
Molecular consequence: missense variant.
Genome position (GRCh38, 1-based): chr10:123,155,707, A>G. VCF-style: chr10-123155707-A-G. GRCh37 (hg19) VCF-style: chr10-124915223-A-G.
Other names: c.245A>G, p.His82Arg (NM_001007793.3); short protein forms H82R.
Identifiers: ClinVar variation 1791598 (VCV001791598.2), dbSNP rs2493756797, ClinGen allele CA378625264.